The following is an entry in ClinVar:

NM_018389.5(SLC35C1):c.673G>A (p.Gly225Ser)

Gene: SLC35C1 (solute carrier family 35 member C1; plus strand). Cytogenetic location: 11p11.2.
Variant type: single nucleotide variant.
Coding change: c.673G>A on transcript NM_018389.5 (MANE Select); coding-DNA position 673, G replaced by A.
Protein change: p.Gly225Ser; replaces glycine 225 with serine.
Molecular consequence: missense variant.
Genome position (GRCh38, 1-based): chr11:45,810,913, G>A. VCF-style: chr11-45810913-G-A. GRCh37 (hg19) VCF-style: chr11-45832464-G-A.
Other names: c.634G>A, p.Gly212Ser (NM_001145265.2, NM_001145266.2); short protein forms G212S, G225S.
Identifiers: ClinVar variation 959594 (VCV000959594.7), dbSNP rs757393960, ClinGen allele CA5958310.

ClinVar aggregate classification (germline): Uncertain significance. Review status: criteria provided, multiple submitters, no conflicts (2 of 4 stars). 2 submissions from 2 submitters: Uncertain significance (2). Last evaluated 2025-08-29.

Conditions:
Inborn genetic diseases. Identifiers: MedGen C0950123, MeSH D030342.
Leukocyte adhesion deficiency type II. Also called: CONGENITAL DISORDER OF GLYCOSYLATION, TYPE IIc; Congenital disorder of glycosylation type 2C; CDG 2C; Leukocyte adhesion deficiency type 2; Rambam Hasharon syndrome; CDG IIc. Identifiers: Orphanet 2968, Orphanet 99843, MedGen C0398739, MONDO:0009953, OMIM 266265.

Allele frequency attached by ClinVar (database versions not stated): ExAC 0.00002; gnomAD exomes 0.00002 and 0.00003; gnomAD 0.00003; TOPMed 0.00003.

Submissions (2):

Ambry Genetics
Classification: Uncertain significance for Inborn genetic diseases. Last evaluated: 2025-08-29. Review status: criteria provided, single submitter. Criteria: Ambry Variant Classification Scheme 2023. Collection method: clinical testing. Allele origin: germline.

Labcorp Genetics (formerly Invitae), Labcorp
Classification: Uncertain significance for Leukocyte adhesion deficiency type II. Last evaluated: 2022-08-16. Review status: criteria provided, single submitter. Criteria: Invitae Variant Classification Sherloc (09022015). Collection method: clinical testing. Allele origin: germline.
Comment: This sequence change replaces glycine, which is neutral and non-polar, with serine, which is neutral and polar, at codon 225 of the SLC35C1 protein (p.Gly225Ser). This variant is present in population databases (rs757393960, gnomAD 0.03%). This variant has not been reported in the literature in individuals affected with SLC35C1-related conditions. ClinVar contains an entry for this variant (Variation ID: 959594). Algorithms developed to predict the effect of missense changes on protein structure and function output the following: SIFT: "Tolerated"; PolyPhen-2: "Benign"; Align-GVGD: "Class C0". The serine amino acid residue is found in multiple mammalian species, which suggests that this missense change does not adversely affect protein function. Algorithms developed to predict the effect of sequence changes on RNA splicing suggest that this variant may create or strengthen a splice site. In summary, the available evidence is currently insufficient to determine the role of this variant in disease. Therefore, it has been classified as a Variant of Uncertain Significance.